The following is an entry in ClinVar:

NM_000051.4(ATM):c.1048G>A (p.Ala350Thr)

Gene: ATM (ATM serine/threonine kinase; plus strand). Cytogenetic location: 11q22.3.
Variant type: single nucleotide variant.
Coding change: c.1048G>A on transcript NM_000051.4 (MANE Select); coding-DNA position 1048, G replaced by A.
Protein change: p.Ala350Thr; replaces alanine 350 with threonine.
Molecular consequence: missense variant.
Genome position (GRCh38, 1-based): chr11:108,247,110, G>A. VCF-style: chr11-108247110-G-A. GRCh37 (hg19) VCF-style: chr11-108117837-G-A.
Other names: c.1048G>A, p.Ala350Thr (NM_001351834.2); short protein forms A350T.
Identifiers: ClinVar variation 246022 (VCV000246022.17), dbSNP rs371713984, ClinGen allele CA10584318.
Genomic context (GRCh38, chr11:108,247,110, plus strand): 5'-GGAAAGTATTCTTCAGGATTTCGTAATATTGCCGTCAAAGAAAATTTGATTGAATTGATG[G>A]CAGATATCTGTCACCAGGTACAGTAAGTAGGTCATGTCACATTTAGAAATTTCCTGTTAA-3'
Protein context (NP_000042.3, residues 340-360): AVKENLIELM[Ala350Thr]DICHQVFNED

ClinVar aggregate classification (germline): Uncertain significance. Review status: criteria provided, multiple submitters, no conflicts (2 of 4 stars). 3 submissions from 3 submitters: Uncertain significance (3). Last evaluated 2025-12-10.

Conditions:
Hereditary cancer-predisposing syndrome. Also called: Neoplastic Syndromes, Hereditary; Tumor predisposition; Hereditary neoplastic syndrome; Hereditary Cancer Syndrome. Identifiers: Orphanet 140162, MedGen C0027672, MeSH D009386, MONDO:0015356.
Ataxia-telangiectasia syndrome (AT). Also called: Cerebello-oculocutaneous telangiectasia; Immunodeficiency with ataxia telangiectasia; Ataxia-telangiectasia; Ataxia telangiectasia (A-T); LOUIS-BAR SYNDROME; Ataxia-telangiectasia, complementation group D. Identifiers: Orphanet 100, MedGen C0004135, MONDO:0008840, OMIM 208900.

Allele frequency attached by ClinVar (database versions not stated): gnomAD exomes 0.00001.
gnomAD v4.1: 10 of 1,613,702 alleles (0.00062%); highest among the groups gnomAD compares: South Asian, 0.0033%; no homozygotes.

Submissions (3):

Ambry Genetics
Classification: Uncertain significance for Hereditary cancer-predisposing syndrome. Last evaluated: 2025-12-10. Review status: criteria provided, single submitter. Criteria: Ambry Variant Classification Scheme 2023. Collection method: clinical testing. Allele origin: germline.
Comment: The p.A350T variant (also known as c.1048G>A), located in coding exon 7 of the ATM gene, results from a G to A substitution at nucleotide position 1048. The alanine at codon 350 is replaced by threonine, an amino acid with similar properties. In an assay testing ATM function, this variant showed a functionally normal result (Lee KS et al. Cell, 2025 Sep;188:5081-5099.e27). This amino acid position is highly conserved in available vertebrate species. In addition, this alteration is predicted to be deleterious by in silico analysis. Based on the available evidence, the clinical significance of this variant remains unclear.

Labcorp Genetics (formerly Invitae), Labcorp
Classification: Uncertain significance for Ataxia-telangiectasia syndrome. Last evaluated: 2025-04-07. Review status: criteria provided, single submitter. Criteria: Invitae Variant Classification Sherloc (09022015). Collection method: clinical testing. Allele origin: germline.
Comment: This sequence change replaces alanine, which is neutral and non-polar, with threonine, which is neutral and polar, at codon 350 of the ATM protein (p.Ala350Thr). This variant is present in population databases (no rsID available, gnomAD 0.003%). This variant has not been reported in the literature in individuals affected with ATM-related conditions. ClinVar contains an entry for this variant (Variation ID: 246022). Invitae Evidence Modeling of protein sequence and biophysical properties (such as structural, functional, and spatial information, amino acid conservation, physicochemical variation, residue mobility, and thermodynamic stability) has been performed for this missense variant. However, the output from this modeling did not meet the statistical confidence thresholds required to predict the impact of this variant on ATM protein function. In summary, the available evidence is currently insufficient to determine the role of this variant in disease. Therefore, it has been classified as a Variant of Uncertain Significance.

GeneDx
Classification: Uncertain significance. Last evaluated: 2017-07-28. Review status: criteria provided, single submitter. Criteria: GeneDx Variant Classification (06012015). Collection method: clinical testing. Allele origin: germline. Affected: yes.
Comment: This variant is denoted ATM c.1048G>A at the cDNA level, p.Ala350Thr (A350T) at the protein level, and results in the change of an Alanine to a Threonine (GCA>ACA). This variant has not, to our knowledge, been published in the literature as pathogenic or benign. However, it has been reported as a somatic variant in chronic lymphocytic leukemia (CLL) tumors (Stankovic 1999, Skowronska 2012). ATM Ala350Thr was not observed in approximately 6,500 individuals of European and African American ancestry in the NHLBI Exome Sequencing Project, suggesting it is not a common benign variant in these populations. Since Alanine and Threonine differ in polarity, charge, size or other properties, this is considered a non-conservative amino acid substitution. ATM Ala350Thr occurs at a position that is conserved across species and is not located in a known functional domain (Young 2005, Tavtigian 2009, Stracker 2013). In silico analyses are inconsistent regarding the effect this variant may have on protein structure and function. Based on currently available evidence, it is unclear whether ATM Ala350Thr is pathogenic or benign. We consider it to be a variant of uncertain significance.

Literature cited by the submitters: PubMed 40580951 (cited by Ambry Genetics).